The following is an entry in ClinVar:

NM_002471.4(MYH6):c.5260G>A (p.Glu1754Lys)

Gene: MYH6 (myosin heavy chain 6; minus strand). Cytogenetic location: 14q11.2.
Variant type: single nucleotide variant.
Coding change: c.5260G>A on transcript NM_002471.4 (MANE Select); coding-DNA position 5260, G replaced by A.
Protein change: p.Glu1754Lys; replaces glutamic acid 1754 with lysine.
Molecular consequence: missense variant.
Genome position (GRCh38, 1-based): chr14:23,384,945, C>T on the plus strand (G>A on the coding strand, the complement: MYH6 is on the minus strand). VCF-style: chr14-23384945-C-T. GRCh37 (hg19) VCF-style: chr14-23854154-C-T.
Other names: short protein forms E1754K.
Identifiers: ClinVar variation 642846 (VCV000642846.12), dbSNP rs372270600, ClinGen allele CA7114500.
Genomic context (GRCh38, chr14:23,384,945, plus strand): 5'-TAGGGGAGGCGGAAGGTGGGCGGTCACTTACATCCGTGATGGCCTTCTTGGCCTTCTCCT[C>T]GGCGTTTCTGCACTCCTGCACTGCCTCCTCCACTTCCGACTGGAGCTGGGTCAGATCCGA-3'
Protein context (NP_002462.2, residues 1744-1764): EEAVQECRNA[Glu1754Lys]EKAKKAITDA

ClinVar aggregate classification (germline): Uncertain significance. Review status: criteria provided, multiple submitters, no conflicts (2 of 4 stars). 3 submissions from 3 submitters: Uncertain significance (3). Last evaluated 2025-10-28.

Conditions:
Hypertrophic cardiomyopathy 14. Identifiers: MedGen C2750467, MONDO:0013197, OMIM 613251.
Cardiovascular phenotype. Identifiers: MedGen CN230736.

Allele frequency attached by ClinVar (database versions not stated): TOPMed 0.00002.
gnomAD v4.1: 17 of 1,614,076 alleles (0.0011%); highest among the groups gnomAD compares: African/African-American, 0.0067%; no homozygotes.

Submissions (3):

Labcorp Genetics (formerly Invitae), Labcorp
Classification: Uncertain significance for Hypertrophic cardiomyopathy 14. Last evaluated: 2025-10-28. Review status: criteria provided, single submitter. Criteria: Invitae Variant Classification Sherloc (09022015). Collection method: clinical testing. Allele origin: germline.
Comment: This sequence change replaces glutamic acid, which is acidic and polar, with lysine, which is basic and polar, at codon 1754 of the MYH6 protein (p.Glu1754Lys). This variant is present in population databases (rs372270600, gnomAD 0.005%). This missense change has been observed in individual(s) with clinical features of MYH6-related conditions (PMID: 32746448, 35993536). ClinVar contains an entry for this variant (Variation ID: 642846). Invitae Evidence Modeling of protein sequence and biophysical properties (such as structural, functional, and spatial information, amino acid conservation, physicochemical variation, residue mobility, and thermodynamic stability) indicates that this missense variant is expected to disrupt MYH6 protein function with a positive predictive value of 80%. In summary, the available evidence is currently insufficient to determine the role of this variant in disease. Therefore, it has been classified as a Variant of Uncertain Significance.

Ambry Genetics
Classification: Uncertain significance for Cardiovascular phenotype. Last evaluated: 2023-12-21. Review status: criteria provided, single submitter. Criteria: Ambry Variant Classification Scheme 2023. Collection method: clinical testing. Allele origin: germline.
Comment: The p.E1754K variant (also known as c.5260G>A), located in coding exon 33 of the MYH6 gene, results from a G to A substitution at nucleotide position 5260. This alteration was reported in association with hypertrophic cardiomyopathy (Forleo C et al. PLoS One, 2017 Jul;12:e0181842; Burstein DS et al. Pediatr Res, 2021 May;89:1470-1476). This alteration has also been reported in a pediatric cardiomyopathy cohort and in a congenital heart disease cohort (Ware SM et al. Am J Hum Genet, 2022 Feb;109:282-298; Zhang Y et al. Mol Genet Genomic Med, 2022 Oct;10:e2041). The glutamic acid at codon 1754 is replaced by lysine, an amino acid with similar properties. This amino acid position is highly conserved in available vertebrate species. In addition, the in silico prediction for this alteration is inconclusive. Since supporting evidence is limited at this time, the clinical significance of this alteration remains unclear.

GeneDx
Classification: Uncertain significance. Last evaluated: 2019-09-29. Review status: criteria provided, single submitter. Criteria: GeneDx Variant Classification Process June 2021. Collection method: clinical testing. Allele origin: germline. Affected: yes.
Comment: Not observed at a significant frequency in large population cohorts (Lek et al., 2016); In silico analysis, which includes protein predictors and evolutionary conservation, supports a deleterious effect; Has not been previously published as pathogenic or benign to our knowledge

Literature cited by the submitters: PubMed 32746448 (cited by Labcorp Genetics (formerly Invitae), Labcorp and Ambry Genetics); PubMed 35993536 (cited by Labcorp Genetics (formerly Invitae), Labcorp and Ambry Genetics); PubMed 28750076 (cited by Ambry Genetics); PubMed 35026164 (cited by Ambry Genetics).